The following is an entry in ClinVar:

NM_001042492.3(NF1):c.5705C>G (p.Ala1902Gly)

Gene: NF1 (neurofibromin 1; plus strand). Cytogenetic location: 17q11.2.
Variant type: single nucleotide variant.
Coding change: c.5705C>G on transcript NM_001042492.3 (MANE Select); coding-DNA position 5705, C replaced by G.
Protein change: p.Ala1902Gly; replaces alanine 1902 with glycine.
Molecular consequence: missense variant.
Genome position (GRCh38, 1-based): chr17:31,330,391, C>G. VCF-style: chr17-31330391-C-G. GRCh37 (hg19) VCF-style: chr17-29657409-C-G.
Other names: c.5642C>G, p.Ala1881Gly (NM_000267.4); short protein forms A1881G, A1902G.
Identifiers: ClinVar variation 1748803 (VCV001748803.5), dbSNP rs1465309384, ClinGen allele CA399010296.

ClinVar aggregate classification (germline): Uncertain significance. Review status: criteria provided, multiple submitters, no conflicts (2 of 4 stars). 2 submissions from 2 submitters: Uncertain significance (2). Last evaluated 2024-01-23.

Conditions:
Neurofibromatosis, type 1 (NF1). Also called: VON RECKLINGHAUSEN DISEASE; NEUROFIBROMATOSIS, TYPE I, SOMATIC; Neurofibromatosis, type I; Peripheral type neurofibromatosis. Identifiers: Orphanet 636, MedGen C0027831, MONDO:0018975, OMIM 162200. Disease mechanism: loss of function.
Cardiovascular phenotype. Identifiers: MedGen CN230736.
Hereditary cancer-predisposing syndrome. Also called: Neoplastic Syndromes, Hereditary; Tumor predisposition; Hereditary Cancer Syndrome; Hereditary neoplastic syndrome. Identifiers: Orphanet 140162, MedGen C0027672, MeSH D009386, MONDO:0015356.

Submissions (2):

Ambry Genetics
Classification: Uncertain significance for Cardiovascular phenotype; Hereditary cancer-predisposing syndrome. Last evaluated: 2024-01-23. Review status: criteria provided, single submitter. Criteria: Ambry Variant Classification Scheme 2023. Collection method: clinical testing. Allele origin: germline.
Comment: The p.A1881G variant (also known as c.5642C>G), located in coding exon 38 of the NF1 gene, results from a C to G substitution at nucleotide position 5642. The alanine at codon 1881 is replaced by glycine, an amino acid with similar properties. This amino acid position is highly conserved in available vertebrate species. In addition, this alteration is predicted to be deleterious by in silico analysis. Since supporting evidence is limited at this time, the clinical significance of this alteration remains unclear.

Labcorp Genetics (formerly Invitae), Labcorp
Classification: Uncertain significance for Neurofibromatosis, type 1. Last evaluated: 2023-12-01. Review status: criteria provided, single submitter. Criteria: Invitae Variant Classification Sherloc (09022015). Collection method: clinical testing. Allele origin: germline.
Comment: This sequence change replaces alanine, which is neutral and non-polar, with glycine, which is neutral and non-polar, at codon 1881 of the NF1 protein (p.Ala1881Gly). This variant is not present in population databases (gnomAD no frequency). This variant has not been reported in the literature in individuals affected with NF1-related conditions. ClinVar contains an entry for this variant (Variation ID: 1748803). Advanced modeling of protein sequence and biophysical properties (such as structural, functional, and spatial information, amino acid conservation, physicochemical variation, residue mobility, and thermodynamic stability) has been performed at Invitae for this missense variant, however the output from this modeling did not meet the statistical confidence thresholds required to predict the impact of this variant on NF1 protein function. In summary, the available evidence is currently insufficient to determine the role of this variant in disease. Therefore, it has been classified as a Variant of Uncertain Significance.